The following is an entry in ClinVar:

ClinVar aggregate classification (germline): Benign/Likely benign. Review status: criteria provided, multiple submitters, no conflicts (2 of 4 stars). 6 submissions from 6 submitters: Benign (4); Likely benign (1). 1 of the submissions does not count toward it. Last evaluated 2026-01-11.

Conditions:
GSDME-related disorder. Also called: GSDME-related condition.
Autosomal dominant nonsyndromic hearing loss 5. Identifiers: Orphanet 90635, MedGen C1832932, MONDO:0010973, OMIM 600994.

Allele frequency attached by ClinVar (database versions not stated): ESP Exome Variant Server 0.00046; TOPMed 0.00060; gnomAD 0.00076 and 0.00090; 1000 Genomes Project 30x 0.00078; 1000 Genomes Project 0.00080; gnomAD exomes 0.00125; ExAC 0.00135.
gnomAD v4.1: 1,806 of 1,613,964 alleles (0.11%); highest among the groups gnomAD compares: South Asian, 0.59%; 11 homozygotes.

Submissions (6):

Labcorp Genetics (formerly Invitae), Labcorp
Classification: Benign. Last evaluated: 2026-01-11. Review status: criteria provided, single submitter. Criteria: Invitae Variant Classification Sherloc (09022015). Collection method: clinical testing. Allele origin: germline.

Blueprint Genetics
Classification: Likely benign. Last evaluated: 2024-11-23. Review status: criteria provided, single submitter. Criteria: ACMG Guidelines, 2015. Collection method: clinical testing. Allele origin: germline.

GeneDx
Classification: Benign. Last evaluated: 2019-06-17. Review status: criteria provided, single submitter. Criteria: GeneDx Variant Classification Process June 2021. Collection method: clinical testing. Allele origin: germline. Affected: yes.

Illumina Laboratory Services, Illumina
Classification: Benign for Autosomal dominant nonsyndromic hearing loss 5. Last evaluated: 2018-01-13. Review status: criteria provided, single submitter. Criteria: ICSL Variant Classification Criteria 13 December 2019. Collection method: clinical testing. Allele origin: germline.
Comment: This variant was observed in the ICSL laboratory as part of a predisposition screen in an ostensibly healthy population. It had not been previously curated by ICSL or reported in the Human Gene Mutation Database (HGMD: prior to June 1st, 2018), and was therefore a candidate for classification through an automated scoring system. Utilizing variant allele frequency, disease prevalence and penetrance estimates, and inheritance mode, an automated score was calculated to assess if this variant is too frequent to cause the disease. Based on the score and internal cut-off values, a variant classified as benign is not then subjected to further curation. The score for this variant resulted in a classification of benign for this disease.

Laboratory for Molecular Medicine, Mass General Brigham Personalized Medicine
Classification: Benign. Last evaluated: 2016-08-23. Review status: criteria provided, single submitter. Criteria: LMM Criteria. Collection method: clinical testing. Allele origin: germline. Observed: 2 variant alleles.
Comment: p.Ala288Ala in Exon 7 of DFNA5: This variant is not expected to have clinical si gnificance because it does not alter an amino acid residue, is not located withi n the splice consensus sequence, and has been identified in 0.7% (110/16432) of South Asian chromosomes by the Exome Aggregation Consortium (ExAC; dbSNP rs144358787).

PreventionGenetics, part of Exact Sciences
Classification: Benign for GSDME-related condition. Last evaluated: 2019-05-07. Review status: no assertion criteria provided. Collection method: clinical testing. Allele origin: germline. Not counted in ClinVar's aggregate classification.
Comment: This variant is classified as benign based on ACMG/AMP sequence variant interpretation guidelines (Richards et al. 2015 PMID: 25741868, with internal and published modifications).

NM_001127453.2(GSDME):c.864G>A (p.Ala288=)

Gene: GSDME (gasdermin E; minus strand). Cytogenetic location: 7p15.3.
Variant type: single nucleotide variant.
Coding change: c.864G>A on transcript NM_001127453.2 (MANE Select); coding-DNA position 864, G replaced by A.
Protein change: p.Ala288=; no amino-acid change (alanine 288 retained).
Molecular consequence: synonymous variant.
Genome position (GRCh38, 1-based): chr7:24,708,253, C>T on the plus strand (G>A on the coding strand, the complement: GSDME is on the minus strand). VCF-style: chr7-24708253-C-T. GRCh37 (hg19) VCF-style: chr7-24747872-C-T.
Other names: c.372G>A, p.Ala124= (NM_001127454.2); c.864G>A, p.Ala288= (NM_004403.3).
Identifiers: ClinVar variation 359844 (VCV000359844.20), dbSNP rs144358787, ClinGen allele CA4191520.